The following is an entry in ClinVar:

NM_080916.3(DGUOK):c.444-12A>G

Gene: DGUOK (deoxyguanosine kinase; plus strand). Cytogenetic location: 2p13.1.
Variant type: single nucleotide variant.
Coding change: c.444-12A>G on transcript NM_080916.3 (MANE Select); 12 bases into the intron before coding-DNA position 444, A replaced by G.
Molecular consequence: intron variant.
Genome position (GRCh38, 1-based): chr2:73,950,573, A>G. VCF-style: chr2-73950573-A-G. GRCh37 (hg19) VCF-style: chr2-74177700-A-G.
Other names: c.153-12A>G (NM_001318861.2, NM_001318860.2); c.135-12A>G (NM_001318862.2, NM_001318863.2); c.443+3667A>G (NM_080918.3); c.425+3685A>G (NM_001318859.2); c.444-12A>G (NM_080916.2).
Identifiers: ClinVar variation 1185774 (VCV001185774.8), dbSNP rs1316840479, ClinGen allele CA533695034.

ClinVar aggregate classification (germline): Likely benign. Review status: criteria provided, multiple submitters, no conflicts (2 of 4 stars). 3 submissions from 3 submitters: Likely benign (3). Last evaluated 2025-10-27.

Conditions:
DGUOK-related disorder. Also called: DGUOK-related condition.

Allele frequency attached by ClinVar (database versions not stated): gnomAD exomes below 0.00001; gnomAD 0.00004; TOPMed 0.00005.
gnomAD v4.1: 9 of 1,613,564 alleles (0.00056%); highest among the groups gnomAD compares: African/African-American, 0.012%; no homozygotes.

Submissions (3):

PreventionGenetics, part of Exact Sciences
Classification: Likely benign for DGUOK-related condition. Last evaluated: 2025-10-27. Review status: criteria provided, single submitter. Criteria: ACMG Guidelines, 2015. Collection method: clinical testing. Allele origin: germline.
Comment: This variant is classified as likely benign based on ACMG/AMP sequence variant interpretation guidelines (Richards et al. 2015 PMID: 25741868, with internal and published modifications).

Labcorp Genetics (formerly Invitae), Labcorp
Classification: Likely benign. Last evaluated: 2024-02-22. Review status: criteria provided, single submitter. Criteria: Invitae Variant Classification Sherloc (09022015). Collection method: clinical testing. Allele origin: germline.

GeneDx
Classification: Likely benign. Last evaluated: 2019-06-28. Review status: criteria provided, single submitter. Criteria: GeneDx Variant Classification Process June 2021. Collection method: clinical testing. Allele origin: germline. Affected: yes.